The following is an entry in ClinVar:

ClinVar aggregate classification (germline): Uncertain significance. Review status: criteria provided, multiple submitters, no conflicts (2 of 4 stars). 2 submissions from 2 submitters: Uncertain significance (2). Last evaluated 2025-10-02.

Conditions:
DICER1-related tumor predisposition. Also called: DICER1-related pleuropulmonary blastoma cancer predisposition syndrome; DICER1 syndrome. Identifiers: Orphanet 284343, MedGen C3839822, MONDO:0100216.
Hereditary cancer-predisposing syndrome. Also called: Neoplastic Syndromes, Hereditary; Tumor predisposition; Hereditary Cancer Syndrome; Hereditary neoplastic syndrome. Identifiers: Orphanet 140162, MedGen C0027672, MeSH D009386, MONDO:0015356.

Allele frequency attached by ClinVar (database versions not stated): gnomAD exomes below 0.00001 and 0.00001; ExAC 0.00001.
gnomAD v4.1: 3 of 1,614,116 alleles (0.00019%); highest among the groups gnomAD compares: Non-Finnish European, 0.00025%; no homozygotes.

Submissions (2):

Ambry Genetics
Classification: Uncertain significance for Hereditary cancer-predisposing syndrome. Last evaluated: 2025-10-02. Review status: criteria provided, single submitter. Criteria: Ambry Variant Classification Scheme 2023. Collection method: clinical testing. Allele origin: germline.
Comment: The p.K492R variant (also known as c.1475A>G), located in coding exon 8 of the DICER1 gene, results from an A to G substitution at nucleotide position 1475. The lysine at codon 492 is replaced by arginine, an amino acid with highly similar properties. This amino acid position is highly conserved in available vertebrate species. In addition, this alteration is predicted to be tolerated by in silico analysis. Based on the available evidence, the clinical significance of this variant remains unclear.

Labcorp Genetics (formerly Invitae), Labcorp
Classification: Uncertain significance for DICER1-related tumor predisposition. Last evaluated: 2025-09-20. Review status: criteria provided, single submitter. Criteria: Invitae Variant Classification Sherloc (09022015). Collection method: clinical testing. Allele origin: germline.
Comment: This sequence change replaces lysine, which is basic and polar, with arginine, which is basic and polar, at codon 492 of the DICER1 protein (p.Lys492Arg). This variant is present in population databases (rs758829946, gnomAD 0.002%). This variant has not been reported in the literature in individuals affected with DICER1-related conditions. ClinVar contains an entry for this variant (Variation ID: 543651). Invitae Evidence Modeling of protein sequence and biophysical properties (such as structural, functional, and spatial information, amino acid conservation, physicochemical variation, residue mobility, and thermodynamic stability) indicates that this missense variant is not expected to disrupt DICER1 protein function with a negative predictive value of 95%. In summary, the available evidence is currently insufficient to determine the role of this variant in disease. Therefore, it has been classified as a Variant of Uncertain Significance.

NM_177438.3(DICER1):c.1475A>G (p.Lys492Arg)

Gene: DICER1 (dicer 1, ribonuclease III; minus strand). Cytogenetic location: 14q32.13.
Variant type: single nucleotide variant.
Coding change: c.1475A>G on transcript NM_177438.3 (MANE Select); coding-DNA position 1475, A replaced by G.
Protein change: p.Lys492Arg; replaces lysine 492 with arginine.
Molecular consequence: missense variant.
Genome position (GRCh38, 1-based): chr14:95,117,656, T>C on the plus strand (A>G on the coding strand, the complement: DICER1 is on the minus strand). VCF-style: chr14-95117656-T-C. GRCh37 (hg19) VCF-style: chr14-95583993-T-C.
Other names: c.1475A>G, p.Lys492Arg (NM_001195573.1, NM_001271282.3, NM_001291628.2 and 1 more transcripts); short protein forms K492R.
Identifiers: ClinVar variation 543651 (VCV000543651.15), dbSNP rs758829946, ClinGen allele CA7331477.